The following is an entry in ClinVar:

ClinVar aggregate classification (germline): Benign. Review status: criteria provided, multiple submitters, no conflicts (2 of 4 stars). 2 submissions from 2 submitters: Benign (2). Last evaluated 2024-07-31.

Allele frequency attached by ClinVar (database versions not stated): gnomAD exomes 0.03475; ESP Exome Variant Server 0.04369; gnomAD 0.08368 and 0.08792; TOPMed 0.11008; 1000 Genomes Project 30x 0.19785; 1000 Genomes Project 0.20387.

Submissions (2):

Unidad de Genómica Garrahan, Hospital de Pediatría Garrahan
Classification: Benign. Last evaluated: 2024-07-31. Review status: criteria provided, single submitter. Criteria: ACMG Guidelines, 2015. Collection method: clinical testing. Allele origin: germline. Affected: no. Observed: 42 variant alleles.
Comment: This variant is classified as Benign based on local population frequency. This variant was detected in 45% of patients studied in a panel designed for Epileptic and Developmental Encephalopathy, Progressive Myoclonus Epilepsy and Abnormal Movements and Neurodegeneration with brain iron accumulation. Number of patients: 42. Only high quality variants are reported.

GeneDx
Classification: Benign. Last evaluated: 2021-05-15. Review status: criteria provided, single submitter. Criteria: GeneDx Variant Classification Process June 2021. Collection method: clinical testing. Allele origin: germline. Affected: yes.

NM_006545.5(NPRL2):c.*59del

Gene: NPRL2 (NPR2 like, GATOR1 complex subunit; minus strand). Cytogenetic location: 3p21.31.
Variant type: Deletion.
Coding change: c.*59del on transcript NM_006545.5 (MANE Select); 59 bases downstream of the stop codon, one base deleted (G; older notation c.*59delG).
Molecular consequence: 3 prime UTR variant.
Genome position (GRCh38, 1-based): chr3:50,347,547, C deleted on the plus strand (G on the coding strand, the reverse complement: NPRL2 is on the minus strand). VCF-style (leftmost placement, unchanged base first): chr3-50347546-AC-A. GRCh37 (hg19) VCF-style: chr3-50384977-AC-A.
Identifiers: ClinVar variation 1249338 (VCV001249338.4), dbSNP rs34963734, ClinGen allele CA74636043.